The following is an entry in ClinVar:

NM_024989.4(PGAP1):c.2107G>A (p.Ala703Thr)

Gene: PGAP1 (post-GPI attachment to proteins inositol deacylase 1; minus strand). Cytogenetic location: 2q33.1.
Variant type: single nucleotide variant.
Coding change: c.2107G>A on transcript NM_024989.4 (MANE Select); coding-DNA position 2107, G replaced by A.
Protein change: p.Ala703Thr; replaces alanine 703 with threonine.
Molecular consequence: missense variant.
Genome position (GRCh38, 1-based): chr2:196,847,046, C>T on the plus strand (G>A on the coding strand, the complement: PGAP1 is on the minus strand). VCF-style: chr2-196847046-C-T. GRCh37 (hg19) VCF-style: chr2-197711770-C-T.
Other names: c.1585G>A, p.Ala529Thr (NM_001321099.2); c.940G>A, p.Ala314Thr (NM_001321100.2); c.2107G>A (NM_024989.3); short protein forms A314T, A529T, A703T.
Identifiers: ClinVar variation 2197551 (VCV002197551.5), dbSNP rs1376737496, ClinGen allele CA350186586.

ClinVar aggregate classification (germline): Conflicting classifications of pathogenicity. Review status: criteria provided, conflicting classifications (1 of 4 stars). 2 submissions from 2 submitters: Uncertain significance (1); Likely benign (1). Last evaluated 2025-01-19.

Conditions:
Inborn genetic diseases. Identifiers: MedGen C0950123, MeSH D030342.
Intellectual disability, autosomal recessive 42 (NEDDSBA). Also called: GLYCOSYLPHOSPHATIDYLINOSITOL BIOSYNTHESIS DEFECT 9; Neurodevelopmental disorder with dysmorphic features, spasticity, and brain abnormalities. Identifiers: Orphanet 88616, MedGen C4014343, MONDO:0014348, OMIM 615802.

Allele frequency attached by ClinVar (database versions not stated): gnomAD 0.00001; gnomAD exomes 0.00001; TOPMed 0.00001.
gnomAD v4.1: 7 of 1,613,528 alleles (0.00043%); highest among the groups gnomAD compares: Admixed American, 0.0033%; no homozygotes.

Submissions (2):

Ambry Genetics
Classification: Likely benign for Inborn genetic diseases. Last evaluated: 2025-01-19. Review status: criteria provided, single submitter. Criteria: Ambry Variant Classification Scheme 2023. Collection method: clinical testing. Allele origin: germline.

Labcorp Genetics (formerly Invitae), Labcorp
Classification: Uncertain significance for Intellectual disability, autosomal recessive 42. Last evaluated: 2023-08-04. Review status: criteria provided, single submitter. Criteria: Invitae Variant Classification Sherloc (09022015). Collection method: clinical testing. Allele origin: germline.
Comment: In summary, the available evidence is currently insufficient to determine the role of this variant in disease. Therefore, it has been classified as a Variant of Uncertain Significance. Advanced modeling of protein sequence and biophysical properties (such as structural, functional, and spatial information, amino acid conservation, physicochemical variation, residue mobility, and thermodynamic stability) performed at Invitae indicates that this missense variant is not expected to disrupt PGAP1 protein function. ClinVar contains an entry for this variant (Variation ID: 2197551). This variant has not been reported in the literature in individuals affected with PGAP1-related conditions. This variant is present in population databases (no rsID available, gnomAD no frequency). This sequence change replaces alanine, which is neutral and non-polar, with threonine, which is neutral and polar, at codon 703 of the PGAP1 protein (p.Ala703Thr).